The following is an entry in ClinVar:

ClinVar aggregate classification (germline): Conflicting classifications of pathogenicity. Review status: criteria provided, conflicting classifications (1 of 4 stars). 5 submissions from 5 submitters: Uncertain significance (1); Likely benign (3). 1 of the submissions does not count toward it. Last evaluated 2025-12-24.

Conditions:
MEGF10-related disorder. Also called: MEGF10-related condition.
MEGF10-related myopathy (CMYO10A). Also called: Congenital myopathy 10A, severe variant. Identifiers: Orphanet 439212, MedGen C3280679, MONDO:0013731, OMIM 614399.
Inborn genetic diseases. Identifiers: MedGen C0950123, MeSH D030342.

Allele frequency attached by ClinVar (database versions not stated): ESP Exome Variant Server 0.00154; TOPMed 0.00156; 1000 Genomes Project 30x 0.00172; 1000 Genomes Project 0.00180.
gnomAD v4.1: 403 of 1,614,142 alleles (0.025%); highest among the groups gnomAD compares: African/African-American, 0.48%; 1 homozygote.

Submissions (5):

Labcorp Genetics (formerly Invitae), Labcorp
Classification: Likely benign for MEGF10-related myopathy. Last evaluated: 2025-12-24. Review status: criteria provided, single submitter. Criteria: Invitae Variant Classification Sherloc (09022015). Collection method: clinical testing. Allele origin: germline.

Ambry Genetics
Classification: Uncertain significance for Inborn genetic diseases. Last evaluated: 2023-10-24. Review status: criteria provided, single submitter. Criteria: Ambry Variant Classification Scheme 2023. Collection method: clinical testing. Allele origin: germline.

GeneDx
Classification: Likely benign. Last evaluated: 2021-03-05. Review status: criteria provided, single submitter. Criteria: GeneDx Variant Classification Process June 2021. Collection method: clinical testing. Allele origin: germline. Affected: yes.

Breakthrough Genomics
Classification: Likely benign. Review status: criteria provided, single submitter. Criteria: ACMG Guidelines, 2015. Collection method: not provided. Allele origin: germline. Inheritance: Autosomal recessive inheritance. Affected: yes.

PreventionGenetics, part of Exact Sciences
Classification: Likely benign for MEGF10-related condition. Last evaluated: 2020-10-12. Review status: no assertion criteria provided. Collection method: clinical testing. Allele origin: germline. Not counted in ClinVar's aggregate classification.
Comment: This variant is classified as likely benign based on ACMG/AMP sequence variant interpretation guidelines (Richards et al. 2015 PMID: 25741868, with internal and published modifications).

NM_001256545.2(MEGF10):c.2144C>A (p.Thr715Lys)

Gene: MEGF10 (multiple EGF like domains 10; plus strand). Cytogenetic location: 5q23.2.
Variant type: single nucleotide variant.
Coding change: c.2144C>A on transcript NM_001256545.2 (MANE Select); coding-DNA position 2144, C replaced by A.
Protein change: p.Thr715Lys; replaces threonine 715 with lysine.
Molecular consequence: missense variant.
Genome position (GRCh38, 1-based): chr5:127,438,478, C>A. VCF-style: chr5-127438478-C-A. GRCh37 (hg19) VCF-style: chr5-126774170-C-A.
Other names: c.2144C>A, p.Thr715Lys (NM_032446.3); short protein forms T715K.
Identifiers: ClinVar variation 472735 (VCV000472735.18), dbSNP rs147731088, ClinGen allele CA3391852.
Genomic context (GRCh38, chr5:127,438,478, plus strand): 5'-TCTCCATACCTGTAATTTCAGCATGTCCACCTGCCCACTGGGGCCCAAACTGCATCCACA[C>A]GTGCAACTGCCATAATGGAGCTTTCTGCAGCGCCTACGATGGGGAATGTAAATGCACTCC-3'
Protein context (NP_001243474.1, residues 705-725): PAHWGPNCIH[Thr715Lys]CNCHNGAFCS